The following is an entry in ClinVar:

NM_004614.5(TK2):c.694G>C (p.Val232Leu)

Gene: TK2 (thymidine kinase 2; minus strand). Cytogenetic location: 16q21.
Variant type: single nucleotide variant.
Coding change: c.694G>C on transcript NM_004614.5 (MANE Select); coding-DNA position 694, G replaced by C.
Protein change: p.Val232Leu; replaces valine 232 with leucine.
Molecular consequence: missense variant. On other transcripts: synonymous variant (1), non-coding transcript variant (1).
Genome position (GRCh38, 1-based): chr16:66,513,736, C>G on the plus strand (G>C on the coding strand, the complement: TK2 is on the minus strand). VCF-style: chr16-66513736-C-G. GRCh37 (hg19) VCF-style: chr16-66547639-C-G.
Other names: c.694G>C (NM_004614.4); c.601G>C, p.Val201Leu (NM_001172643.1); c.619G>C, p.Val207Leu (NM_001172644.2); c.640G>C, p.Val214Leu (NM_001172645.2); c.547G>C, p.Val183Leu (NM_001271934.2); c.432G>C, p.Leu144= (NM_001271935.1); c.403G>C, p.Val135Leu (NM_001272050.2); short protein forms V214L, V135L, V207L, V183L, V201L, V232L.
Identifiers: ClinVar variation 1372242 (VCV001372242.6), dbSNP rs576020835, ClinGen allele CA8093584.
Genomic context (GRCh38, chr16:66,513,736, plus strand): 5'-CGGGTCACTCCTCTTTCTAGAACAGTCTCGTACCCTGTAAGGGAGTCTTACTTACCAGAA[C>G]AGGGGCTGCCATGGGGAAAAGGCTGCCTTTGATGAGCCACTCCTCATGGAGATGGTGAAT-3'
Protein context (NP_004605.4, residues 222-242): KGSLFPMAAP[Val232Leu]LVIEADHHME

ClinVar aggregate classification (germline): Uncertain significance. Review status: criteria provided, multiple submitters, no conflicts (2 of 4 stars). 3 submissions from 3 submitters: Uncertain significance (3). Last evaluated 2026-10-02.

Conditions:
Inborn genetic diseases. Identifiers: MedGen C0950123, MeSH D030342.

Allele frequency attached by ClinVar (database versions not stated): 1000 Genomes Project 0.00060; 1000 Genomes Project 30x 0.00062.
gnomAD v4.1: 43 of 1,614,022 alleles (0.0027%); highest among the groups gnomAD compares: African/African-American, 0.04%; no homozygotes.

Submissions (3):

GeneDx
Classification: Uncertain significance. Last evaluated: 2026-10-02. Review status: criteria provided, single submitter. Criteria: GeneDx Variant Classification Process June 2021. Collection method: clinical testing. Allele origin: germline.
Comment: In silico analysis supports that this missense variant has a deleterious effect on protein structure/function; Has not been previously published as pathogenic or benign to our knowledge

Ambry Genetics
Classification: Uncertain significance for Inborn genetic diseases. Last evaluated: 2025-08-05. Review status: criteria provided, single submitter. Criteria: Ambry Variant Classification Scheme 2023. Collection method: clinical testing. Allele origin: germline.

Labcorp Genetics (formerly Invitae), Labcorp
Classification: Uncertain significance. Last evaluated: 2022-08-31. Review status: criteria provided, single submitter. Criteria: Invitae Variant Classification Sherloc (09022015). Collection method: clinical testing. Allele origin: germline.
Comment: This sequence change replaces valine, which is neutral and non-polar, with leucine, which is neutral and non-polar, at codon 232 of the TK2 protein (p.Val232Leu). This variant is present in population databases (rs576020835, gnomAD 0.04%). This variant has not been reported in the literature in individuals affected with TK2-related conditions. ClinVar contains an entry for this variant (Variation ID: 1372242). Algorithms developed to predict the effect of missense changes on protein structure and function (SIFT, PolyPhen-2, Align-GVGD) all suggest that this variant is likely to be disruptive. In summary, the available evidence is currently insufficient to determine the role of this variant in disease. Therefore, it has been classified as a Variant of Uncertain Significance.